The following is an entry in ClinVar:

ClinVar aggregate classification (germline): Conflicting classifications of pathogenicity. Review status: criteria provided, conflicting classifications (1 of 4 stars). 2 submissions from 2 submitters: Pathogenic (1); Uncertain significance (1). Last evaluated 2026-10-19.

Conditions:
Early-infantile DEE. Also called: Early infantile epileptic encephalopathy; Ohtahara syndrome; Early infantile epileptic encephalopathy with suppression bursts. Identifiers: Orphanet 1934, MedGen C0393706, MONDO:0800491.

Submissions (2):

GeneDx
Classification: Pathogenic. Last evaluated: 2026-10-19. Review status: criteria provided, single submitter. Criteria: GeneDx Variant Classification Process June 2021. Collection method: clinical testing. Allele origin: germline.
Comment: Not observed at significant frequency in large population cohorts (gnomAD); In silico analysis supports that this missense variant has a deleterious effect on protein structure/function; This substitution is predicted to be within the extracellular loop between the S3 and S4 transmembrane segments of the fourth homologous domain; This variant is associated with the following publications: (PMID: 34979445, 35230384)

Labcorp Genetics (formerly Invitae), Labcorp
Classification: Uncertain significance for Early-infantile DEE. Last evaluated: 2022-03-29. Review status: criteria provided, single submitter. Criteria: Invitae Variant Classification Sherloc (09022015). Collection method: clinical testing. Allele origin: germline.
Comment: This sequence change replaces isoleucine, which is neutral and non-polar, with threonine, which is neutral and polar, at codon 1605 of the SCN8A protein (p.Ile1605Thr). This variant is not present in population databases (gnomAD no frequency). This variant has not been reported in the literature in individuals affected with SCN8A-related conditions. ClinVar contains an entry for this variant (Variation ID: 1216047). Algorithms developed to predict the effect of missense changes on protein structure and function are either unavailable or do not agree on the potential impact of this missense change (SIFT: "Deleterious"; PolyPhen-2: "Possibly Damaging"; Align-GVGD: "Class C0"). In summary, the available evidence is currently insufficient to determine the role of this variant in disease. Therefore, it has been classified as a Variant of Uncertain Significance.

NM_001330260.2(SCN8A):c.4814T>C (p.Ile1605Thr)

Gene: SCN8A (sodium voltage-gated channel alpha subunit 8; plus strand). Cytogenetic location: 12q13.13.
Variant type: single nucleotide variant.
Coding change: c.4814T>C on transcript NM_001330260.2 (MANE Select); coding-DNA position 4814, T replaced by C.
Protein change: p.Ile1605Thr; replaces isoleucine 1605 with threonine.
Molecular consequence: missense variant.
Genome position (GRCh38, 1-based): chr12:51,806,300, T>C. VCF-style: chr12-51806300-T-C. GRCh37 (hg19) VCF-style: chr12-52200084-T-C.
Other names: c.4691T>C, p.Ile1564Thr (NM_001177984.3, NM_001369788.1); c.4814T>C, p.Ile1605Thr (NM_014191.4); c.4814T>C (NM_001330260.1); short protein forms I1564T, I1605T.
Identifiers: ClinVar variation 1216047 (VCV001216047.10), dbSNP rs2138942209, ClinGen allele CA384880295.